The following is an entry in ClinVar:

ClinVar aggregate classification (germline): Likely pathogenic. Review status: criteria provided, multiple submitters, no conflicts (2 of 4 stars). 2 submissions from 2 submitters: Likely pathogenic (2). Last evaluated 2024-02-17.

Conditions:
Fanconi anemia (FA). Also called: Fanconi's anemia. Identifiers: Orphanet 84, MedGen C0015625, MeSH D005199, MONDO:0019391.
Fanconi anemia complementation group I (FANCI). Also called: FANCI-Related Fanconi Anemia. Identifiers: Orphanet 84, MedGen C1836861, MONDO:0012186, OMIM 609053.

Submissions (2):

Baylor Genetics
Classification: Likely pathogenic for Fanconi anemia complementation group I. Last evaluated: 2024-02-17. Review status: criteria provided, single submitter. Criteria: ACMG Guidelines, 2015. Collection method: clinical testing. Allele origin: unknown.

Labcorp Genetics (formerly Invitae), Labcorp
Classification: Likely pathogenic for Fanconi anemia. Last evaluated: 2024-01-09. Review status: criteria provided, single submitter. Criteria: Invitae Variant Classification Sherloc (09022015). Collection method: clinical testing. Allele origin: germline.
Comment: This sequence change affects an acceptor splice site in intron 16 of the FANCI gene. It is expected to disrupt RNA splicing. Variants that disrupt the donor or acceptor splice site typically lead to a loss of protein function (PMID: 16199547), and loss-of-function variants in FANCI are known to be pathogenic (PMID: 17452773, 17460694). This variant is not present in population databases (gnomAD no frequency). This variant has not been reported in the literature in individuals affected with FANCI-related conditions. Algorithms developed to predict the effect of sequence changes on RNA splicing suggest that this variant may disrupt the consensus splice site. In summary, the currently available evidence indicates that the variant is pathogenic, but additional data are needed to prove that conclusively. Therefore, this variant has been classified as Likely Pathogenic.

Literature cited by the submitters: PubMed 16199547 (cited by Labcorp Genetics (formerly Invitae), Labcorp); PubMed 17452773 (cited by Labcorp Genetics (formerly Invitae), Labcorp); PubMed 17460694 (cited by Labcorp Genetics (formerly Invitae), Labcorp).

NM_001113378.2(FANCI):c.1584-1G>C

Gene: FANCI (FA complementation group I; plus strand). Cytogenetic location: 15q26.1.
Variant type: single nucleotide variant.
Coding change: c.1584-1G>C on transcript NM_001113378.2 (MANE Select); the canonical splice acceptor site of the intron before coding-DNA position 1584, G replaced by C.
Molecular consequence: splice acceptor variant.
Genome position (GRCh38, 1-based): chr15:89,283,135, G>C. VCF-style: chr15-89283135-G-C. GRCh37 (hg19) VCF-style: chr15-89826366-G-C.
Other names: c.1584-1G>C (NM_018193.3, NM_001376911.1); c.1305-1G>C (NM_001376910.1).
Identifiers: ClinVar variation 2675640 (VCV002675640.5), dbSNP rs1567158538, ClinGen allele CA393744872.